The following is an entry in ClinVar:

NM_015001.3(SPEN):c.8273G>C (p.Gly2758Ala)

Gene: SPEN (spen family transcriptional repressor; plus strand). Cytogenetic location: 1p36.13.
Variant type: single nucleotide variant.
Coding change: c.8273G>C on transcript NM_015001.3 (MANE Select); coding-DNA position 8273, G replaced by C.
Protein change: p.Gly2758Ala; replaces glycine 2758 with alanine.
Molecular consequence: missense variant.
Genome position (GRCh38, 1-based): chr1:15,934,513, G>C. VCF-style: chr1-15934513-G-C. GRCh37 (hg19) VCF-style: chr1-16261008-G-C.
Other names: short protein forms G2758A.
Identifiers: ClinVar variation 3359840 (VCV003359840.1).

ClinVar aggregate classification (germline): Uncertain significance (1 of 4 stars; one submission).

gnomAD v4.1: 1 of 1,614,070 alleles (0.000062%); highest among the groups gnomAD compares: Non-Finnish European, 0.000085%; no homozygotes.

Submission:

GeneDx
Classification: Uncertain significance. Last evaluated: 2023-06-13. Review status: criteria provided, single submitter. Criteria: GeneDx Variant Classification Process June 2021. Collection method: clinical testing. Allele origin: germline. Affected: yes.
Comment: Not observed at significant frequency in large population cohorts (gnomAD); In silico analysis supports that this missense variant does not alter protein structure/function; Has not been previously published as pathogenic or benign to our knowledge